The following is an entry in ClinVar:

NM_002878.4(RAD51D):c.287G>C (p.Gly96Ala)

Genes: RAD51L3-RFFL (RAD51L3-RFFL readthrough; minus strand), RAD51D (RAD51 paralog D; minus strand). Cytogenetic location: 17q12.
Variant type: single nucleotide variant.
Coding change: c.287G>C on transcript NM_002878.4 (MANE Select); coding-DNA position 287, G replaced by C.
Protein change: p.Gly96Ala; replaces glycine 96 with alanine.
Molecular consequence: missense variant. On other transcripts: non-coding transcript variant (2), intron variant (1).
Genome position (GRCh38, 1-based): chr17:35,107,424, C>G on the plus strand (G>C on the coding strand, the complement: RAD51D is on the minus strand). VCF-style: chr17-35107424-C-G. GRCh37 (hg19) VCF-style: chr17-33434443-C-G.
Other names: c.347G>C, p.Gly116Ala (NM_001142571.2); c.145-943G>C (NM_133629.3); short protein forms G96A, G116A.
Identifiers: ClinVar variation 2761280 (VCV002761280.4), dbSNP rs775651936, ClinGen allele CA399089989.
Genomic context (GRCh38, chr17:35,107,424, plus strand): 5'-ACCTGAGTTTTGCCGCTACCTGGGCCTCCTACAATTTCAGTCACTTCTCCAGTATAGAGA[C>G]CAGCATCAAGCAGTTTATCAAGACTGATGGCAGAAGAGAAGAAAATCAACACAAGAGGTT-3'
Protein context (NP_002869.3, residues 86-106): IGSLDKLLDA[Gly96Ala]LYTGEVTEIV

ClinVar aggregate classification (germline): Uncertain significance. Review status: criteria provided, multiple submitters, no conflicts (2 of 4 stars). 2 submissions from 2 submitters: Uncertain significance (2). Last evaluated 2024-07-13.

Conditions:
Hereditary cancer-predisposing syndrome. Also called: Neoplastic Syndromes, Hereditary; Hereditary Cancer Syndrome; Hereditary neoplastic syndrome; Tumor predisposition. Identifiers: Orphanet 140162, MedGen C0027672, MeSH D009386, MONDO:0015356.
Breast-ovarian cancer, familial, susceptibility to, 4. Identifiers: Orphanet 145, MedGen C3280345, MONDO:0013669, OMIM 614291.

Submissions (2):

Ambry Genetics
Classification: Uncertain significance for Hereditary cancer-predisposing syndrome. Last evaluated: 2024-07-13. Review status: criteria provided, single submitter. Criteria: Ambry Variant Classification Scheme 2023. Collection method: clinical testing. Allele origin: germline.
Comment: The p.G96A variant (also known as c.287G>C), located in coding exon 4 of the RAD51D gene, results from a G to C substitution at nucleotide position 287. The glycine at codon 96 is replaced by alanine, an amino acid with similar properties. This amino acid position is conserved. In addition, this alteration is predicted to be deleterious by in silico analysis. Based on the available evidence, the clinical significance of this variant remains unclear.

Labcorp Genetics (formerly Invitae), Labcorp
Classification: Uncertain significance for Breast-ovarian cancer, familial, susceptibility to, 4. Last evaluated: 2023-09-17. Review status: criteria provided, single submitter. Criteria: Invitae Variant Classification Sherloc (09022015). Collection method: clinical testing. Allele origin: germline.
Comment: This variant is not present in population databases (gnomAD no frequency). In summary, the available evidence is currently insufficient to determine the role of this variant in disease. Therefore, it has been classified as a Variant of Uncertain Significance. Advanced modeling of protein sequence and biophysical properties (such as structural, functional, and spatial information, amino acid conservation, physicochemical variation, residue mobility, and thermodynamic stability) has been performed at Invitae for this missense variant, however the output from this modeling did not meet the statistical confidence thresholds required to predict the impact of this variant on RAD51D protein function. This variant has not been reported in the literature in individuals affected with RAD51D-related conditions. This sequence change replaces glycine, which is neutral and non-polar, with alanine, which is neutral and non-polar, at codon 96 of the RAD51D protein (p.Gly96Ala).